The following is an entry in ClinVar:

NM_000096.4(CP):c.1937T>C (p.Leu646Ser)

Gene: CP (ceruloplasmin; minus strand). Cytogenetic location: 3q24.
Variant type: single nucleotide variant.
Coding change: c.1937T>C on transcript NM_000096.4 (MANE Select); coding-DNA position 1937, T replaced by C.
Protein change: p.Leu646Ser; replaces leucine 646 with serine.
Molecular consequence: missense variant.
Genome position (GRCh38, 1-based): chr3:149,186,660, A>G on the plus strand (T>C on the coding strand, the complement: CP is on the minus strand). VCF-style: chr3-149186660-A-G. GRCh37 (hg19) VCF-style: chr3-148904447-A-G.
Other names: short protein forms L646S.
Identifiers: ClinVar variation 1969285 (VCV001969285.5), dbSNP rs2472768496, ClinGen allele CA354932564.

ClinVar aggregate classification (germline): Uncertain significance (1 of 4 stars; one submission).

Conditions:
Deficiency of ferroxidase (ACEP). Also called: Aceruloplasminemia; Ceruloplasmin deficiency; Familial apoceruloplasmin deficiency; Hereditary ceruloplasmin deficiency; NEURODEGENERATION WITH BRAIN IRON ACCUMULATION 10; Deficiency of ceruloplasmin. Identifiers: Orphanet 48818, MedGen C0878682, MONDO:0011426, OMIM 604290, HP:0025498.

Submission:

Labcorp Genetics (formerly Invitae), Labcorp
Classification: Uncertain significance for Deficiency of ferroxidase. Last evaluated: 2024-10-05. Review status: criteria provided, single submitter. Criteria: Invitae Variant Classification Sherloc (09022015). Collection method: clinical testing. Allele origin: germline.
Comment: This sequence change replaces leucine, which is neutral and non-polar, with serine, which is neutral and polar, at codon 646 of the CP protein (p.Leu646Ser). This variant is not present in population databases (gnomAD no frequency). This variant has not been reported in the literature in individuals affected with CP-related conditions. ClinVar contains an entry for this variant (Variation ID: 1969285). Invitae Evidence Modeling of protein sequence and biophysical properties (such as structural, functional, and spatial information, amino acid conservation, physicochemical variation, residue mobility, and thermodynamic stability) indicates that this missense variant is not expected to disrupt CP protein function with a negative predictive value of 80%. In summary, the available evidence is currently insufficient to determine the role of this variant in disease. Therefore, it has been classified as a Variant of Uncertain Significance.